The following is an entry in ClinVar:

ClinVar aggregate classification (germline): Benign/Likely benign. Review status: criteria provided, multiple submitters, no conflicts (2 of 4 stars). 8 submissions from 8 submitters: Benign (1); Likely benign (5). 2 of the submissions do not count toward it. Last evaluated 2026-01-21.

Conditions:
ETV6-related disorder. Also called: ETV6-related condition.
Inborn genetic diseases. Identifiers: MedGen C0950123, MeSH D030342.

Allele frequency attached by ClinVar (database versions not stated): gnomAD 0.00022 and 0.00024; gnomAD exomes 0.00022 and 0.00035; ESP Exome Variant Server 0.00023; TOPMed 0.00023; ExAC 0.00030; 1000 Genomes Project 0.00060; 1000 Genomes Project 30x 0.00078.
gnomAD v4.1: 374 of 1,613,926 alleles (0.023%); highest among the groups gnomAD compares: Middle Eastern, 0.2%; no homozygotes.

Submissions (8):

Labcorp Genetics (formerly Invitae), Labcorp
Classification: Benign. Last evaluated: 2026-01-21. Review status: criteria provided, single submitter. Criteria: Invitae Variant Classification Sherloc (09022015). Collection method: clinical testing. Allele origin: germline.

Blueprint Genetics
Classification: Likely benign. Last evaluated: 2024-10-28. Review status: criteria provided, single submitter. Criteria: ACMG Guidelines, 2015. Collection method: clinical testing. Allele origin: germline.

Women's Health and Genetics/Laboratory Corporation of America, LabCorp
Classification: Likely benign. Last evaluated: 2024-09-17. Review status: criteria provided, single submitter. Criteria: LabCorp Variant Classification Summary - May 2015. Collection method: clinical testing. Allele origin: germline.

Ambry Genetics
Classification: Likely benign for Inborn genetic diseases. Last evaluated: 2024-08-21. Review status: criteria provided, single submitter. Criteria: Ambry Variant Classification Scheme 2023. Collection method: clinical testing. Allele origin: germline.

GeneDx
Classification: Likely benign. Last evaluated: 2020-12-15. Review status: criteria provided, single submitter. Criteria: GeneDx Variant Classification Process June 2021. Collection method: clinical testing. Allele origin: germline. Affected: yes.

Breakthrough Genomics
Classification: Likely benign. Review status: criteria provided, single submitter. Criteria: ACMG Guidelines, 2015. Collection method: not provided. Allele origin: germline. Inheritance: Autosomal dominant inheritance. Affected: yes.

Genetic Services Laboratory, University of Chicago
Classification: Likely benign. Last evaluated: 2022-08-08. Review status: no assertion criteria provided. Collection method: clinical testing. Allele origin: germline. Affected: no. Not counted in ClinVar's aggregate classification.

PreventionGenetics, part of Exact Sciences
Classification: Likely benign for ETV6-related condition. Last evaluated: 2019-12-06. Review status: no assertion criteria provided. Collection method: clinical testing. Allele origin: germline. Not counted in ClinVar's aggregate classification.
Comment: This variant is classified as likely benign based on ACMG/AMP sequence variant interpretation guidelines (Richards et al. 2015 PMID: 25741868, with internal and published modifications).

Literature cited by the submitters: PubMed 21680795 (cited by Women's Health and Genetics/Laboratory Corporation of America, LabCorp); PubMed 21714648 (cited by Women's Health and Genetics/Laboratory Corporation of America, LabCorp); PubMed 15806161 (cited by Women's Health and Genetics/Laboratory Corporation of America, LabCorp); PubMed 24904105 (cited by Women's Health and Genetics/Laboratory Corporation of America, LabCorp); PubMed 18305557 (cited by Women's Health and Genetics/Laboratory Corporation of America, LabCorp); PubMed 26102509 (cited by Women's Health and Genetics/Laboratory Corporation of America, LabCorp); PubMed 9694803 (cited by Women's Health and Genetics/Laboratory Corporation of America, LabCorp); PubMed 24997145 (cited by Women's Health and Genetics/Laboratory Corporation of America, LabCorp); PubMed 27895058 (cited by Women's Health and Genetics/Laboratory Corporation of America, LabCorp).

NM_001987.5(ETV6):c.72G>A (p.Val24=)

Gene: ETV6 (ETS variant transcription factor 6; plus strand). Cytogenetic location: 12p13.2.
Variant type: single nucleotide variant.
Coding change: c.72G>A on transcript NM_001987.5 (MANE Select); coding-DNA position 72, G replaced by A.
Protein change: p.Val24=; no amino-acid change (valine 24 retained).
Molecular consequence: synonymous variant.
Genome position (GRCh38, 1-based): chr12:11,752,488, G>A. VCF-style: chr12-11752488-G-A. GRCh37 (hg19) VCF-style: chr12-11905422-G-A.
Identifiers: ClinVar variation 1321488 (VCV001321488.14), dbSNP rs143194205, ClinGen allele CA6454103.